The following is an entry in ClinVar:

NM_018685.5(ANLN):c.2720C>G (p.Pro907Arg)

Gene: ANLN (anillin, actin binding protein; plus strand). Cytogenetic location: 7p14.2.
Variant type: single nucleotide variant.
Coding change: c.2720C>G on transcript NM_018685.5 (MANE Select); coding-DNA position 2720, C replaced by G.
Protein change: p.Pro907Arg; replaces proline 907 with arginine.
Molecular consequence: missense variant.
Genome position (GRCh38, 1-based): chr7:36,425,712, C>G. VCF-style: chr7-36425712-C-G. GRCh37 (hg19) VCF-style: chr7-36465321-C-G.
Other names: c.2609C>G, p.Pro870Arg (NM_001284301.3); c.2606C>G, p.Pro869Arg (NM_001284302.3); short protein forms P907R, P870R, P869R.
Identifiers: ClinVar variation 2873237 (VCV002873237.3), dbSNP rs2534649115, ClinGen allele CA367214559.
Genomic context (GRCh38, chr7:36,425,712, plus strand): 5'-GACATAATGTTTAATAAGAAATATATATAGTAAGCTATCTTTTCTTTTAGGCTATTACTC[C>G]AAAGCGACTCCTCACATCTATAACCACAGTAAGTAGAATTTTTGAGAAATTGAGCTTCCT-3'
Protein context (NP_061155.2, residues 897-917): KKTSKSKAIT[Pro907Arg]KRLLTSITTK

ClinVar aggregate classification (germline): Uncertain significance (1 of 4 stars; one submission).

Submission:

Labcorp Genetics (formerly Invitae), Labcorp
Classification: Uncertain significance. Last evaluated: 2022-11-20. Review status: criteria provided, single submitter. Criteria: Invitae Variant Classification Sherloc (09022015). Collection method: clinical testing. Allele origin: germline.
Comment: This sequence change replaces proline, which is neutral and non-polar, with arginine, which is basic and polar, at codon 907 of the ANLN protein (p.Pro907Arg). This variant is not present in population databases (gnomAD no frequency). This variant has not been reported in the literature in individuals affected with ANLN-related conditions. Advanced modeling of protein sequence and biophysical properties (such as structural, functional, and spatial information, amino acid conservation, physicochemical variation, residue mobility, and thermodynamic stability) performed at Invitae indicates that this missense variant is expected to disrupt ANLN protein function. In summary, the available evidence is currently insufficient to determine the role of this variant in disease. Therefore, it has been classified as a Variant of Uncertain Significance.